The following is an entry in ClinVar:

NM_000052.7(ATP7A):c.4012C>G (p.Leu1338Val)

Gene: ATP7A (ATPase copper transporting alpha; plus strand). Cytogenetic location: Xq21.1.
Variant type: single nucleotide variant.
Coding change: c.4012C>G on transcript NM_000052.7 (MANE Select); coding-DNA position 4012, C replaced by G.
Protein change: p.Leu1338Val; replaces leucine 1338 with valine.
Molecular consequence: missense variant. On other transcripts: non-coding transcript variant (1).
Genome position (GRCh38, 1-based): chrX:78,043,323, C>G. VCF-style: chrX-78043323-C-G. GRCh37 (hg19) VCF-style: chrX-77298821-C-G.
Other names: c.3778C>G, p.Leu1260Val (NM_001282224.2); short protein forms L1260V, L1338V.
Identifiers: ClinVar variation 4789455 (VCV004789455.1).
Genomic context (GRCh38, chrX:78,043,323, plus strand): 5'-GTTACTGGTTAAGTTAGAGTCTCTTACTAATATCACAAATATTTCTGTTCTTAGAATGAT[C>G]TTCTGGATGTAGTGGCAAGTATTGACTTATCAAGAAAGACAGTCAAGAGGATTCGGATAA-3'
Protein context (NP_000043.4, residues 1328-1348): AADVVLIRND[Leu1338Val]LDVVASIDLS

ClinVar aggregate classification (germline): Uncertain significance (1 of 4 stars; one submission).

Conditions:
Menkes kinky-hair syndrome (MNK). Also called: Menkes Disease; Copper transport disease; Classic Menkes Disease. Identifiers: Orphanet 565, MedGen C0022716, MONDO:0010651, OMIM 309400.
Cutis laxa, X-linked (OHS). Also called: EDS IX; Occipital horn syndrome. Identifiers: Orphanet 198, MedGen C0268353, MONDO:0010572, OMIM 304150.
X-linked distal spinal muscular atrophy type 3. Also called: ATP7A-Related Distal Motor Neuropathy; SPINAL MUSCULAR ATROPHY, DISTAL, X-LINKED RECESSIVE; NEURONOPATHY, DISTAL HEREDITARY MOTOR, X-LINKED; NEUROPATHY, DISTAL HEREDITARY MOTOR, X-LINKED. Identifiers: Orphanet 139557, MedGen C1845359, MONDO:0010338, OMIM 300489.

gnomAD v4.1: 1 of 1,186,560 alleles (0.000084%); highest among the groups gnomAD compares: Admixed American, 0.0022%; no homozygotes.

Submission:

Labcorp Genetics (formerly Invitae), Labcorp
Classification: Uncertain significance for X-linked distal spinal muscular atrophy type 3; Cutis laxa, X-linked; Menkes kinky-hair syndrome. Last evaluated: 2025-03-27. Review status: criteria provided, single submitter. Criteria: Invitae Variant Classification Sherloc (09022015). Collection method: clinical testing. Allele origin: germline.
Comment: This sequence change replaces leucine, which is neutral and non-polar, with valine, which is neutral and non-polar, at codon 1338 of the ATP7A protein (p.Leu1338Val). This variant is present in population databases (no rsID available, gnomAD 0.004%). This variant has not been reported in the literature in individuals affected with ATP7A-related conditions. Invitae Evidence Modeling of protein sequence and biophysical properties (such as structural, functional, and spatial information, amino acid conservation, physicochemical variation, residue mobility, and thermodynamic stability) has been performed for this missense variant. However, the output from this modeling did not meet the statistical confidence thresholds required to predict the impact of this variant on ATP7A protein function. In summary, the available evidence is currently insufficient to determine the role of this variant in disease. Therefore, it has been classified as a Variant of Uncertain Significance.